The following is an entry in ClinVar:

ClinVar aggregate classification (germline): Uncertain significance (1 of 4 stars; one submission).

Conditions:
Familial adenomatous polyposis 1 (FAP1). Also called: POLYPOSIS, ADENOMATOUS INTESTINAL; FAMILIAL ADENOMATOUS POLYPOSIS 1, ATTENUATED. Identifiers: MedGen C2713442, MONDO:0021056, OMIM 175100. Disease mechanism: loss of function.

Submission:

Labcorp Genetics (formerly Invitae), Labcorp
Classification: Uncertain significance for Familial adenomatous polyposis 1. Last evaluated: 2018-11-28. Review status: criteria provided, single submitter. Criteria: Invitae Variant Classification Sherloc (09022015). Collection method: clinical testing. Allele origin: germline.
Comment: In summary, the available evidence is currently insufficient to determine the role of this variant in disease. Therefore, it has been classified as a Variant of Uncertain Significance. Algorithms developed to predict the effect of missense changes on protein structure and function are either unavailable or do not agree on the potential impact of this missense change (SIFT: "Tolerated"; PolyPhen-2: "Possibly Damaging"; Align-GVGD: "Class C0"). This variant has not been reported in the literature in individuals with APC-related conditions. This variant is not present in population databases (ExAC no frequency). This sequence change replaces isoleucine with threonine at codon 1580 of the APC protein (p.Ile1580Thr). The isoleucine residue is highly conserved and there is a moderate physicochemical difference between isoleucine and threonine.

NM_000038.6(APC):c.4739T>C (p.Ile1580Thr)

Gene: APC (APC regulator of Wnt signaling pathway; plus strand). Cytogenetic location: 5q22.2.
Variant type: single nucleotide variant.
Coding change: c.4739T>C on transcript NM_000038.6 (MANE Select); coding-DNA position 4739, T replaced by C.
Protein change: p.Ile1580Thr; replaces isoleucine 1580 with threonine.
Molecular consequence: missense variant.
Genome position (GRCh38, 1-based): chr5:112,840,333, T>C. VCF-style: chr5-112840333-T-C. GRCh37 (hg19) VCF-style: chr5-112176030-T-C.
Other names: c.4739T>C, p.Ile1580Thr (NM_001127510.3, NM_001354895.2); c.4685T>C, p.Ile1562Thr (NM_001127511.3); c.4793T>C, p.Ile1598Thr (NM_001354896.2); c.4769T>C, p.Ile1590Thr (NM_001354897.2); c.4664T>C, p.Ile1555Thr (NM_001354898.2); c.4655T>C, p.Ile1552Thr (NM_001354899.2); c.4616T>C, p.Ile1539Thr (NM_001354900.2); c.4562T>C, p.Ile1521Thr (NM_001354901.2); and 5 more; short protein forms I1454T, I1552T, I1598T, I1297T, I1420T, I1479T, I1562T, I1580T.
Identifiers: ClinVar variation 665553 (VCV000665553.10), dbSNP rs1580651958, ClinGen allele CA16031726.